The following is an entry in ClinVar:

NM_000094.4(COL7A1):c.8498T>C (p.Val2833Ala)

Gene: COL7A1 (collagen type VII alpha 1 chain; minus strand). Cytogenetic location: 3p21.31.
Variant type: single nucleotide variant.
Coding change: c.8498T>C on transcript NM_000094.4 (MANE Select); coding-DNA position 8498, T replaced by C.
Protein change: p.Val2833Ala; replaces valine 2833 with alanine.
Molecular consequence: missense variant.
Genome position (GRCh38, 1-based): chr3:48,565,439, A>G on the plus strand (T>C on the coding strand, the complement: COL7A1 is on the minus strand). VCF-style: chr3-48565439-A-G. GRCh37 (hg19) VCF-style: chr3-48602872-A-G.
Other names: short protein forms V2833A.
Identifiers: ClinVar variation 2704306 (VCV002704306.3), dbSNP rs1360820174, ClinGen allele CA352634820.
Genomic context (GRCh38, chr3:48,565,439, plus strand): 5'-ATAGCTGCCCCACGGGTTCAGCTGTCCTCACCTTCCTCCTCTGCATGAGAGACGCGGAGC[A>G]CAGGCACAGCATGGAGCTGGGAGCCGGCAGTGTCTGCAGCATAACTAGGGAGGGGTCCTG-3'
Protein context (NP_000085.1, residues 2823-2843): TAGSQLHAVP[Val2833Ala]LRVSHAEEEE

ClinVar aggregate classification (germline): Uncertain significance (1 of 4 stars; one submission).

Submission:

Labcorp Genetics (formerly Invitae), Labcorp
Classification: Uncertain significance. Last evaluated: 2023-06-09. Review status: criteria provided, single submitter. Criteria: Invitae Variant Classification Sherloc (09022015). Collection method: clinical testing. Allele origin: germline.
Comment: In summary, the available evidence is currently insufficient to determine the role of this variant in disease. Therefore, it has been classified as a Variant of Uncertain Significance. Advanced modeling of protein sequence and biophysical properties (such as structural, functional, and spatial information, amino acid conservation, physicochemical variation, residue mobility, and thermodynamic stability) performed at Invitae indicates that this missense variant is not expected to disrupt COL7A1 protein function. This variant has not been reported in the literature in individuals affected with COL7A1-related conditions. This variant is not present in population databases (gnomAD no frequency). This sequence change replaces valine, which is neutral and non-polar, with alanine, which is neutral and non-polar, at codon 2833 of the COL7A1 protein (p.Val2833Ala).